The following is an entry in ClinVar:

ClinVar aggregate classification (germline): Uncertain significance. Review status: criteria provided, multiple submitters, no conflicts (2 of 4 stars). 4 submissions from 4 submitters: Uncertain significance (4). Last evaluated 2025-09-01.

Conditions:
Inborn genetic diseases. Identifiers: MedGen C0950123, MeSH D030342.
Progressive myoclonic epilepsy. Also called: Progressive myoclonus epilepsy; Familial progressive myoclonic epilepsy; Myoclonus epilepsy; Myoclonic Epilepsies, Progressive. Identifiers: Orphanet 308, Orphanet 98261, MedGen C0751778, MONDO:0020074.

Allele frequency attached by ClinVar (database versions not stated): ExAC 0.00002; gnomAD exomes 0.00002; TOPMed 0.00007; gnomAD 0.00008 and 0.00009.
gnomAD v4.1: 131 of 1,614,140 alleles (0.0081%); highest among the groups gnomAD compares: Non-Finnish European, 0.01%; no homozygotes.

Submissions (4):

Ambry Genetics
Classification: Uncertain significance for Inborn genetic diseases. Last evaluated: 2025-09-01. Review status: criteria provided, single submitter. Criteria: Ambry Variant Classification Scheme 2023. Collection method: clinical testing. Allele origin: germline.

GeneDx
Classification: Uncertain significance. Last evaluated: 2025-04-29. Review status: criteria provided, single submitter. Criteria: GeneDx Variant Classification Process June 2021. Collection method: clinical testing. Allele origin: germline. Affected: yes.
Comment: Not observed at significant frequency in large population cohorts (gnomAD); In silico analysis indicates that this missense variant does not alter protein structure/function; Has not been previously published as pathogenic or benign to our knowledge

Labcorp Genetics (formerly Invitae), Labcorp
Classification: Uncertain significance for Progressive myoclonic epilepsy. Last evaluated: 2022-03-08. Review status: criteria provided, single submitter. Criteria: Invitae Variant Classification Sherloc (09022015). Collection method: clinical testing. Allele origin: germline.
Comment: This sequence change replaces glutamic acid, which is acidic and polar, with lysine, which is basic and polar, at codon 307 of the EPM2A protein (p.Glu307Lys). This variant is present in population databases (rs754779408, gnomAD 0.004%). This variant has not been reported in the literature in individuals affected with EPM2A-related conditions. ClinVar contains an entry for this variant (Variation ID: 660962). Algorithms developed to predict the effect of missense changes on protein structure and function (SIFT, PolyPhen-2, Align-GVGD) all suggest that this variant is likely to be disruptive. In summary, the available evidence is currently insufficient to determine the role of this variant in disease. Therefore, it has been classified as a Variant of Uncertain Significance.

Athena Diagnostics
Classification: Uncertain significance. Last evaluated: 2019-03-30. Review status: criteria provided, single submitter. Criteria: Athena Diagnostics Criteria. Collection method: clinical testing. Allele origin: germline.

NM_005670.4(EPM2A):c.919G>A (p.Glu307Lys)

Gene: EPM2A (EPM2A glucan phosphatase, laforin; minus strand). Cytogenetic location: 6q24.3.
Variant type: single nucleotide variant.
Coding change: c.919G>A on transcript NM_005670.4 (MANE Select); coding-DNA position 919, G replaced by A.
Protein change: p.Glu307Lys; replaces glutamic acid 307 with lysine.
Molecular consequence: missense variant. On other transcripts: 3 prime UTR variant (1), non-coding transcript variant (1).
Genome position (GRCh38, 1-based): chr6:145,627,493, C>T on the plus strand (G>A on the coding strand, the complement: EPM2A is on the minus strand). VCF-style: chr6-145627493-C-T. GRCh37 (hg19) VCF-style: chr6-145948629-C-T.
Other names: c.919G>A, p.Glu307Lys (NM_001018041.2); c.*2G>A (NM_001360057.2); c.505G>A, p.Glu169Lys (NM_001360064.2, NM_001360071.2, NM_001368131.1); c.457G>A, p.Glu153Lys (NM_001368129.2, NM_001368132.1); short protein forms E169K, E153K, E307K.
Identifiers: ClinVar variation 660962 (VCV000660962.12), dbSNP rs754779408, ClinGen allele CA4035043.